The following is an entry in ClinVar:

NM_000063.6(C2):c.1154C>T (p.Pro385Leu)

Genes: C2 (complement C2; plus strand), C2-AS1 (C2 antisense RNA 1; minus strand). Cytogenetic location: 6p21.33.
Variant type: single nucleotide variant.
Coding change: c.1154C>T on transcript NM_000063.6 (MANE Select); coding-DNA position 1154, C replaced by T.
Protein change: p.Pro385Leu; replaces proline 385 with leucine.
Molecular consequence: missense variant.
Genome position (GRCh38, 1-based): chr6:31,939,255, C>T. VCF-style: chr6-31939255-C-T. GRCh37 (hg19) VCF-style: chr6-31907032-C-T.
Other names: c.758C>T, p.Pro253Leu (NM_001145903.3); c.512C>T, p.Pro171Leu (NM_001178063.3); c.416C>T, p.Pro139Leu (NM_001282457.2); c.1067C>T, p.Pro356Leu (NM_001282458.2); short protein forms P171L, P385L, P356L, P139L, P253L.
Identifiers: ClinVar variation 2007911 (VCV002007911.4), dbSNP rs947937300, ClinGen allele CA136887351.

ClinVar aggregate classification (germline): Uncertain significance (1 of 4 stars; one submission).

Allele frequency attached by ClinVar (database versions not stated): gnomAD exomes below 0.00001.
gnomAD v4.1: 1 of 1,612,376 alleles (0.000062%); highest among the groups gnomAD compares: South Asian, 0.0011%; no homozygotes.

Submission:

Labcorp Genetics (formerly Invitae), Labcorp
Classification: Uncertain significance. Last evaluated: 2022-06-18. Review status: criteria provided, single submitter. Criteria: Invitae Variant Classification Sherloc (09022015). Collection method: clinical testing. Allele origin: germline.
Comment: This variant is not present in population databases (gnomAD no frequency). This sequence change replaces proline, which is neutral and non-polar, with leucine, which is neutral and non-polar, at codon 385 of the C2 protein (p.Pro385Leu). This variant has not been reported in the literature in individuals affected with C2-related conditions. Algorithms developed to predict the effect of missense changes on protein structure and function (SIFT, PolyPhen-2, Align-GVGD) all suggest that this variant is likely to be disruptive. In summary, the available evidence is currently insufficient to determine the role of this variant in disease. Therefore, it has been classified as a Variant of Uncertain Significance.